The following is an entry in ClinVar:

NM_024747.6(HPS6):c.234G>T (p.Pro78=)

Genes: HPS6 (HPS6 biogenesis of lysosomal organelles complex 2 subunit 3; plus strand), LOC130004578 (ATAC-STARR-seq lymphoblastoid silent region 2738; plus strand). Cytogenetic location: 10q24.32.
Variant type: single nucleotide variant.
Coding change: c.234G>T on transcript NM_024747.6 (MANE Select); coding-DNA position 234, G replaced by T.
Protein change: p.Pro78=; no amino-acid change (proline 78 retained).
Molecular consequence: synonymous variant.
Genome position (GRCh38, 1-based): chr10:102,065,708, G>T. VCF-style: chr10-102065708-G-T. GRCh37 (hg19) VCF-style: chr10-103825465-G-T.
Identifiers: ClinVar variation 3035200 (VCV003035200.2), dbSNP rs2067963089, ClinGen allele CA471010117.

ClinVar aggregate classification (germline): Likely benign (0 of 4 stars; one submission).

Conditions:
HPS6-related disorder. Also called: HPS6-related condition.

Submission:

PreventionGenetics, part of Exact Sciences
Classification: Likely benign for HPS6-related condition. Last evaluated: 2019-07-25. Review status: no assertion criteria provided. Collection method: clinical testing. Allele origin: germline.
Comment: This variant is classified as likely benign based on ACMG/AMP sequence variant interpretation guidelines (Richards et al. 2015 PMID: 25741868, with internal and published modifications).